The following is an entry in ClinVar:

ClinVar aggregate classification (germline): Uncertain significance (1 of 4 stars; one submission).

Conditions:
Familial focal epilepsy with variable foci (FPEVF). Identifiers: Orphanet 98820, MedGen C1858477, MONDO:0020310.

Submission:

Labcorp Genetics (formerly Invitae), Labcorp
Classification: Uncertain significance for Familial focal epilepsy with variable foci. Last evaluated: 2022-07-28. Review status: criteria provided, single submitter. Criteria: Invitae Variant Classification Sherloc (09022015). Collection method: clinical testing. Allele origin: germline.
Comment: This sequence change replaces phenylalanine, which is neutral and non-polar, with leucine, which is neutral and non-polar, at codon 1205 of the DEPDC5 protein (p.Phe1205Leu). This variant is not present in population databases (gnomAD no frequency). This variant has not been reported in the literature in individuals affected with DEPDC5-related conditions. Algorithms developed to predict the effect of missense changes on protein structure and function are either unavailable or do not agree on the potential impact of this missense change (SIFT: "Deleterious"; PolyPhen-2: "Not Available"; Align-GVGD: "Class C15"). In summary, the available evidence is currently insufficient to determine the role of this variant in disease. Therefore, it has been classified as a Variant of Uncertain Significance.

NM_001242896.3(DEPDC5):c.3613T>C (p.Phe1205Leu)

Gene: DEPDC5 (DEP domain containing 5, GATOR1 subcomplex subunit; plus strand). Cytogenetic location: 22q12.3.
Variant type: single nucleotide variant.
Coding change: c.3613T>C on transcript NM_001242896.3 (MANE Select); coding-DNA position 3613, T replaced by C.
Protein change: p.Phe1205Leu; replaces phenylalanine 1205 with leucine.
Molecular consequence: missense variant. On other transcripts: non-coding transcript variant (4).
Genome position (GRCh38, 1-based): chr22:31,874,322, T>C. VCF-style: chr22-31874322-T-C. GRCh37 (hg19) VCF-style: chr22-32270308-T-C.
Other names: c.3586T>C, p.Phe1196Leu (NM_001136029.4); c.3313T>C, p.Phe1105Leu (NM_001242897.2); c.3547T>C, p.Phe1183Leu (NM_001363852.2, NM_001364320.2); c.3379T>C, p.Phe1127Leu (NM_001363854.2, NM_001364319.2); c.3613T>C, p.Phe1205Leu (NM_001364318.2); c.3529T>C, p.Phe1177Leu (NM_001369901.1, NM_001369902.1); c.3520T>C, p.Phe1174Leu (NM_001369903.1, NM_014662.6); short protein forms F1105L, F1127L, F1174L, F1177L, F1183L, F1196L, F1205L.
Identifiers: ClinVar variation 1713501 (VCV001713501.5), dbSNP rs2522415605, ClinGen allele CA411277750.